The following is an entry in ClinVar:

NM_001365536.1(SCN9A):c.2757T>A (p.Ile919=)

Genes: SCN9A (sodium voltage-gated channel alpha subunit 9; minus strand), SCN1A-AS1 (SCN1A and SCN9A antisense RNA 1; plus strand). Cytogenetic location: 2q24.3.
Variant type: single nucleotide variant.
Coding change: c.2757T>A on transcript NM_001365536.1 (MANE Select); coding-DNA position 2757, T replaced by A.
Protein change: p.Ile919=; no amino-acid change (isoleucine 919 retained).
Molecular consequence: synonymous variant. On other transcripts: non-coding transcript variant (1).
Genome position (GRCh38, 1-based): chr2:166,277,100, A>T on the plus strand (T>A on the coding strand, the complement: SCN9A is on the minus strand). VCF-style: chr2-166277100-A-T. GRCh37 (hg19) VCF-style: chr2-167133610-A-T.
Other names: c.2724T>A, p.Ile908= (NM_002977.4).
Identifiers: ClinVar variation 646066 (VCV000646066.9), dbSNP rs1574851414, ClinGen allele CA429978134.

ClinVar aggregate classification (germline): Uncertain significance (1 of 4 stars; one submission).

Conditions:
Neuropathy, hereditary sensory and autonomic, type 2A (HSAN2A). Also called: WNK1-Related HSAN2 (HSAN2A); HSAN IIA; NEUROPATHY, CONGENITAL SENSORY; MORVAN DISEASE; ACROOSTEOLYSIS, GIACCAI TYPE; ACROOSTEOLYSIS, NEUROGENIC. Identifiers: Orphanet 970, MedGen C2752089, MONDO:0024309, OMIM 201300.
Generalized epilepsy with febrile seizures plus, type 7 (GEFSP7). Also called: GEFS+, TYPE 7. Identifiers: Orphanet 36387, MedGen C2751778, MONDO:0013470, OMIM 613863.

Submission:

Labcorp Genetics (formerly Invitae), Labcorp
Classification: Uncertain significance for Neuropathy, hereditary sensory and autonomic, type 2A; Generalized epilepsy with febrile seizures plus, type 7. Last evaluated: 2022-07-26. Review status: criteria provided, single submitter. Criteria: Invitae Variant Classification Sherloc (09022015). Collection method: clinical testing. Allele origin: germline.
Comment: This sequence change affects codon 908 of the SCN9A mRNA. It is a 'silent' change, meaning that it does not change the encoded amino acid sequence of the SCN9A protein. This variant is not present in population databases (gnomAD no frequency). This variant has not been reported in the literature in individuals affected with SCN9A-related conditions. In summary, the available evidence is currently insufficient to determine the role of this variant in disease. Therefore, it has been classified as a Variant of Uncertain Significance. Algorithms developed to predict the effect of sequence changes on RNA splicing suggest that this variant may create or strengthen a splice site. ClinVar contains an entry for this variant (Variation ID: 646066).